The following is an entry in ClinVar:

NM_001035.3(RYR2):c.711G>A (p.Leu237=)

Gene: RYR2 (ryanodine receptor 2; plus strand). Cytogenetic location: 1q43.
Variant type: single nucleotide variant.
Coding change: c.711G>A on transcript NM_001035.3 (MANE Select); coding-DNA position 711, G replaced by A.
Protein change: p.Leu237=; no amino-acid change (leucine 237 retained).
Molecular consequence: synonymous variant.
Genome position (GRCh38, 1-based): chr1:237,388,121, G>A. VCF-style: chr1-237388121-G-A. GRCh37 (hg19) VCF-style: chr1-237551421-G-A.
Identifiers: ClinVar variation 1621372 (VCV001621372.12), dbSNP rs759018901, ClinGen allele CA087306.

ClinVar aggregate classification (germline): Likely benign. Review status: criteria provided, multiple submitters, no conflicts (2 of 4 stars). 3 submissions from 3 submitters: Likely benign (3). Last evaluated 2025-09-05.

Conditions:
Cardiovascular phenotype. Identifiers: MedGen CN230736.
Catecholaminergic polymorphic ventricular tachycardia (CVPT). Also called: Catecholamine-induced polymorphic ventricular tachycardia. Identifiers: Orphanet 3286, MedGen C5574922, MONDO:0017990.
Catecholaminergic polymorphic ventricular tachycardia 1. Also called: VENTRICULAR TACHYCARDIA, CATECHOLAMINERGIC POLYMORPHIC, 1, WITH OR WITHOUT ATRIAL DYSFUNCTION AND/OR DILATED CARDIOMYOPATHY; VENTRICULAR TACHYCARDIA, STRESS-INDUCED POLYMORPHIC 1; RYR2-Related Catecholaminergic Polymorphic Ventricular Tachycardia. Identifiers: Orphanet 3286, MedGen C1631597, MONDO:0011484, OMIM 604772.

gnomAD v4.1: 12 of 1,613,810 alleles (0.00074%); highest among the groups gnomAD compares: African/African-American, 0.0093%; no homozygotes.

Submissions (3):

Labcorp Genetics (formerly Invitae), Labcorp
Classification: Likely benign for Catecholaminergic polymorphic ventricular tachycardia 1. Last evaluated: 2025-09-05. Review status: criteria provided, single submitter. Criteria: Invitae Variant Classification Sherloc (09022015). Collection method: clinical testing. Allele origin: germline.

All of Us Research Program, National Institutes of Health
Classification: Likely benign for Catecholaminergic polymorphic ventricular tachycardia. Last evaluated: 2023-12-07. Review status: criteria provided, single submitter. Criteria: ACMG Guidelines, 2015. Collection method: clinical testing. Allele origin: germline. Inheritance: Autosomal dominant inheritance. Observed: 3 variant alleles, 3 heterozygotes.
Comment: This study involves interpretation of variants in research participants for the purpose of population health screening. Participant phenotype was not available at the time of variant classification. Additional details can be found in publication PMID: 35346344, PMCID: PMC8962531

Ambry Genetics
Classification: Likely benign for Cardiovascular phenotype. Last evaluated: 2019-08-13. Review status: criteria provided, single submitter. Criteria: Ambry Variant Classification Scheme 2023. Collection method: clinical testing. Allele origin: germline.